The following is an entry in ClinVar:

NM_000040.3(APOC3):c.277C>A (p.Pro93Thr)

Gene: APOC3 (apolipoprotein C3; plus strand). Cytogenetic location: 11q23.3.
Variant type: single nucleotide variant.
Coding change: c.277C>A on transcript NM_000040.3 (MANE Select); coding-DNA position 277, C replaced by A.
Protein change: p.Pro93Thr; replaces proline 93 with threonine.
Molecular consequence: missense variant.
Genome position (GRCh38, 1-based): chr11:116,832,861, C>A. VCF-style: chr11-116832861-C-A. GRCh37 (hg19) VCF-style: chr11-116703577-C-A.
Other names: short protein forms P93T.
Identifiers: ClinVar variation 4809712 (VCV004809712.1).

ClinVar aggregate classification (germline): Uncertain significance (1 of 4 stars; one submission).

Submission:

Labcorp Genetics (formerly Invitae), Labcorp
Classification: Uncertain significance. Last evaluated: 2025-11-23. Review status: criteria provided, single submitter. Criteria: Invitae Variant Classification Sherloc (09022015). Collection method: clinical testing. Allele origin: germline.
Comment: This sequence change replaces proline, which is neutral and non-polar, with threonine, which is neutral and polar, at codon 93 of the APOC3 protein (p.Pro93Thr). This variant is not present in population databases (gnomAD no frequency). This variant has not been reported in the literature in individuals affected with APOC3-related conditions. An algorithm developed to predict the effect of missense changes on protein structure and function outputs the following: PolyPhen-2: "Benign". The threonine amino acid residue is found in multiple mammalian species, which suggests that this missense change does not adversely affect protein function. In summary, the available evidence is currently insufficient to determine the role of this variant in disease. Therefore, it has been classified as a Variant of Uncertain Significance.